The following is an entry in ClinVar:

ClinVar aggregate classification (germline): Conflicting classifications of pathogenicity. Review status: criteria provided, conflicting classifications (1 of 4 stars). 9 submissions from 9 submitters: Pathogenic (1); Likely pathogenic (2); Uncertain significance (3); Likely benign (3). Last evaluated 2026-04-16.

Conditions:
Ehlers-Danlos syndrome, kyphoscoliotic type, 2. Also called: Ehlers-Danlos syndrome, kyphoscoliotic and deafness type; FKBP14-Kyphoscoliotic Ehlers-Danlos Syndrome; Ehlers-Danlos syndrome with progressive kyphoscoliosis, myopathy, and hearing loss. Identifiers: Orphanet 300179, MedGen C3281160, MONDO:0013800, OMIM 614557.
Cardiovascular phenotype. Identifiers: MedGen CN230736.
Ehlers-Danlos syndrome (EDS). Identifiers: Orphanet 98249, MedGen C0013720, MONDO:0020066.
FKBP14-related disorders.

Allele frequency attached by ClinVar (database versions not stated): 1000 Genomes Project 30x 0.00016; gnomAD exomes 0.00031 and 0.00065; gnomAD 0.00038 and 0.00039; TOPMed 0.00045; ExAC 0.00053; ESP Exome Variant Server 0.00080.

Submissions (9):

Women's Health and Genetics/Laboratory Corporation of America, LabCorp
Classification: Likely benign. Last evaluated: 2026-04-16. Review status: criteria provided, single submitter. Criteria: LabCorp Variant Classification Summary - May 2015. Collection method: clinical testing. Allele origin: germline.
Comment: Variant summary: FKBP14 c.568_570delAAA (p.Lys190del) results in an in-frame deletion that is predicted to remove 1 amino acid from the encoded protein. The variant allele was found at a frequency of 0.00034 in 1611602 control chromosomes, predominantly at a frequency of 0.014 within the Ashkenazi-Jewish subpopulation in the gnomAD database, including 5 homozygotes. The observed variant frequency within Ashkenazi-Jewish control individuals in the gnomAD database exceeds the estimated maximal expected allele frequency for disease-causing variants in FKBP14. c.568_570delAAA has been observed in individual(s) affected with syndromic arthrogryposis (example, Greenbaum_2019, Maron_2021). These report(s) do not provide unequivocal conclusions about association of the variant with Ehlers-Danlos syndrome, kyphoscoliotic type, 2. To our knowledge, no experimental evidence demonstrating an impact on protein function has been reported. The following publications have been ascertained in the context of this evaluation (PMID: 31428121, 33587123). ClinVar contains an entry for this variant (Variation ID: 432050). Based on the evidence outlined above, the variant was classified as likely benign.

Labcorp Genetics (formerly Invitae), Labcorp
Classification: Likely benign for Ehlers-Danlos syndrome, kyphoscoliotic type, 2. Last evaluated: 2026-01-12. Review status: criteria provided, single submitter. Criteria: Invitae Variant Classification Sherloc (09022015). Collection method: clinical testing. Allele origin: germline.

GeneDx
Classification: Likely pathogenic. Last evaluated: 2025-08-27. Review status: criteria provided, single submitter. Criteria: GeneDx Variant Classification Process June 2021. Collection method: clinical testing. Allele origin: germline. Affected: yes.
Comment: Observed in the homozygous and compound heterozygous states in patients with arthrogryposis; however, features specific to kEDS, such as congenital hypotonia and kyphoscoliosis, were not reported (PMID: 33587123, 31428121); In-frame deletion of one amino acid in a non-repeat region; In silico analysis supports a deleterious effect on protein structure/function; This variant is associated with the following publications: (PMID: 24677762, 24773188, 27149304, 22265013, 31428121, 34682862, 33587123, 37432431)

Mayo Clinic Laboratories, Mayo Clinic
Classification: Uncertain significance. Last evaluated: 2025-08-20. Review status: criteria provided, single submitter. Criteria: ACMG Guidelines, 2015. Collection method: clinical testing. Allele origin: germline. Observed: 5 variant alleles.
Comment: BS1

First Genomix Gene Laboratory, Genetic Diagnostics Department
Classification: Likely pathogenic for Ehlers-Danlos syndrome, kyphoscoliotic type, 2. Last evaluated: 2025-07-08. Review status: criteria provided, single submitter. Criteria: ACMG Guidelines, 2015. Collection method: clinical testing. Allele origin: germline. Inheritance: Autosomal recessive inheritance. Affected: no. Observed: 1 variant allele.

Blueprint Genetics
Classification: Pathogenic for FKBP14-related disorders. Last evaluated: 2024-11-08. Review status: criteria provided, single submitter. Criteria: ACMG Guidelines, 2015. Collection method: clinical testing. Allele origin: germline. Affected: yes. Observed: 5 variant alleles.

Genome Diagnostics Laboratory, The Hospital for Sick Children
Classification: Uncertain significance for Ehlers-Danlos syndrome. Last evaluated: 2020-08-10. Review status: criteria provided, single submitter. Criteria: ACMG Guidelines, 2015. Collection method: clinical testing. Allele origin: germline.

Athena Diagnostics
Classification: Uncertain significance. Last evaluated: 2019-12-27. Review status: criteria provided, single submitter. Criteria: Athena Diagnostics Criteria. Collection method: clinical testing. Allele origin: unknown.
Comment: This observation is not an independent occurrence and has been identified in the same individual by RCIGM, the other laboratory participating in the GEMINI study.

Ambry Genetics
Classification: Likely benign for Cardiovascular phenotype. Last evaluated: 2019-01-21. Review status: criteria provided, single submitter. Criteria: Ambry Variant Classification Scheme 2023. Collection method: clinical testing. Allele origin: germline.

Literature cited by the submitters: PubMed 33587123 (cited by Women's Health and Genetics/Laboratory Corporation of America, LabCorp and Mayo Clinic Laboratories, Mayo Clinic); PubMed 31428121 (cited by Women's Health and Genetics/Laboratory Corporation of America, LabCorp and Mayo Clinic Laboratories, Mayo Clinic); PubMed 37432431 (cited by Mayo Clinic Laboratories, Mayo Clinic).

NM_017946.4(FKBP14):c.568_570del (p.Lys190del)

Genes: FKBP14 (FKBP prolyl isomerase 14; minus strand), FKBP14-AS1 (FKBP14 antisense RNA 1; plus strand). Cytogenetic location: 7p14.3.
Variant type: Deletion.
Coding change: c.568_570del on transcript NM_017946.4 (MANE Select); coding-DNA positions 568 to 570, 3 bases deleted (AAA; older notation c.568_570delAAA).
Protein change: p.Lys190del; deletes lysine 190.
Molecular consequence: inframe deletion. On other transcripts: non-coding transcript variant (2).
Genome position (GRCh38, 1-based): chr7:30,014,801-30,014,803, TTT deleted on the plus strand (AAA on the coding strand, the reverse complement: FKBP14 is on the minus strand). VCF-style (leftmost placement, unchanged base first): chr7-30014800-CTTT-C. GRCh37 (hg19) VCF-style: chr7-30054416-CTTT-C.
Other names: p.Lys190del; c.568_570delAAA (NM_017946.4, NM_017946.3); short protein forms K190del.
Identifiers: ClinVar variation 432050 (VCV000432050.31), dbSNP rs762279651, ClinGen allele CA4203372.
Genomic context (GRCh38, chr7:30,014,800, plus strand): 5'-ACTCATCGTGTTTATATGTAAATTCTCTGGCAGATATAAACCCATCTTTGTCTTCATCTT[CTTT>C]ATCAAAAATATCCTCCACCAAAGCATCATGATGACTTTCATTCACCACCGCACCATGTTT-3'